The following is an entry in ClinVar:

ClinVar aggregate classification (germline): Uncertain significance (1 of 4 stars; one submission).

Conditions:
Short-rib thoracic dysplasia 14 with polydactyly (SRTD14). Identifiers: Orphanet 397715, MedGen C4225286, MONDO:0014688, OMIM 616546.
Joubert syndrome 23 (JBTS23). Identifiers: Orphanet 475, MedGen C4084822, MONDO:0014664, OMIM 616490.

Submission:

Labcorp Genetics (formerly Invitae), Labcorp
Classification: Uncertain significance for Joubert syndrome 23; Short-rib thoracic dysplasia 14 with polydactyly. Last evaluated: 2025-09-08. Review status: criteria provided, single submitter. Criteria: Invitae Variant Classification Sherloc (09022015). Collection method: clinical testing. Allele origin: germline.
Comment: This sequence change replaces aspartic acid, which is acidic and polar, with tyrosine, which is neutral and polar, at codon 1502 of the KIAA0586 protein (p.Asp1502Tyr). This variant is not present in population databases (gnomAD no frequency). This variant has not been reported in the literature in individuals affected with KIAA0586-related conditions. ClinVar contains an entry for this variant (Variation ID: 2125744). Invitae Evidence Modeling of protein sequence and biophysical properties (such as structural, functional, and spatial information, amino acid conservation, physicochemical variation, residue mobility, and thermodynamic stability) indicates that this missense variant is not expected to disrupt KIAA0586 protein function with a negative predictive value of 80%. Algorithms developed to predict the effect of sequence changes on RNA splicing suggest that this variant may disrupt the consensus splice site. In summary, the available evidence is currently insufficient to determine the role of this variant in disease. Therefore, it has been classified as a Variant of Uncertain Significance.

NM_001329943.3(KIAA0586):c.4345G>T (p.Asp1449Tyr)

Gene: KIAA0586 (KIAA0586; plus strand). Cytogenetic location: 14q23.1.
Variant type: single nucleotide variant.
Coding change: c.4345G>T on transcript NM_001329943.3 (MANE Select); coding-DNA position 4345, G replaced by T.
Protein change: p.Asp1449Tyr; replaces aspartic acid 1449 with tyrosine.
Molecular consequence: missense variant.
Genome position (GRCh38, 1-based): chr14:58,512,543, G>T. VCF-style: chr14-58512543-G-T. GRCh37 (hg19) VCF-style: chr14-58979261-G-T.
Other names: c.4504G>T, p.Asp1502Tyr (NM_001244189.2); c.4300G>T, p.Asp1434Tyr (NM_001244190.2); c.4090G>T, p.Asp1364Tyr (NM_001244191.2, NM_001329945.2, NM_001364700.1 and 1 more transcripts); c.4213G>T, p.Asp1405Tyr (NM_001244192.2, NM_001329947.2); c.3925G>T, p.Asp1309Tyr (NM_001244193.2); c.4345G>T, p.Asp1449Tyr (NM_001329944.2, NM_001329946.2); c.4117G>T, p.Asp1373Tyr (NM_014749.5); short protein forms D1309Y, D1373Y, D1364Y, D1405Y, D1434Y, D1449Y, D1502Y.
Identifiers: ClinVar variation 2125744 (VCV002125744.4), dbSNP rs757930249, ClinGen allele CA390058065.